The following is an entry in ClinVar:

NM_175914.5(HNF4A):c.396G>A (p.Ala132=)

Gene: HNF4A (hepatocyte nuclear factor 4 alpha; plus strand). Cytogenetic location: 20q13.12.
Variant type: single nucleotide variant.
Coding change: c.396G>A on transcript NM_175914.5 (MANE Select); coding-DNA position 396, G replaced by A.
Protein change: p.Ala132=; no amino-acid change (alanine 132 retained).
Molecular consequence: synonymous variant.
Genome position (GRCh38, 1-based): chr20:44,413,770, G>A. VCF-style: chr20-44413770-G-A. GRCh37 (hg19) VCF-style: chr20-43042410-G-A.
Other names: c.396G>A (NM_175914.4); c.396G>A, p.Ala132= (NM_001030004.3, NM_001030003.3); c.441G>A, p.Ala147= (NM_001258355.2); c.387G>A, p.Ala129= (NM_001287182.2, NM_001287183.2, NM_001287184.2); c.462G>A, p.Ala154= (NM_178849.3, NM_178850.3, NM_000457.6).
Identifiers: ClinVar variation 995122 (VCV000995122.7), dbSNP rs370329321, ClinGen allele CA9870239.

ClinVar aggregate classification (germline): Benign/Likely benign. Review status: criteria provided, multiple submitters, no conflicts (2 of 4 stars). 4 submissions from 4 submitters: Benign (1); Likely benign (3). Last evaluated 2025-08-29.

Conditions:
Maturity-onset diabetes of the young (MODY). Also called: Maturity onset diabetes mellitus in young. Identifiers: Orphanet 552, MedGen C0342276, MONDO:0018911, HP:0004904.
HNF4A-related disorder. Also called: HNF4A-related condition.

Allele frequency attached by ClinVar (database versions not stated): gnomAD 0.00003; TOPMed 0.00003; ExAC 0.00005; ESP Exome Variant Server 0.00008.
gnomAD v4.1: 31 of 1,613,486 alleles (0.0019%); highest among the groups gnomAD compares: African/African-American, 0.0093%; no homozygotes.

Submissions (4):

Labcorp Genetics (formerly Invitae), Labcorp
Classification: Likely benign. Last evaluated: 2025-08-29. Review status: criteria provided, single submitter. Criteria: Invitae Variant Classification Sherloc (09022015). Collection method: clinical testing. Allele origin: germline.

PreventionGenetics, part of Exact Sciences
Classification: Likely benign for HNF4A-related condition. Last evaluated: 2025-06-17. Review status: criteria provided, single submitter. Criteria: ACMG Guidelines, 2015. Collection method: clinical testing. Allele origin: germline.
Comment: This variant is classified as likely benign based on ACMG/AMP sequence variant interpretation guidelines (Richards et al. 2015 PMID: 25741868, with internal and published modifications).

Athena Diagnostics
Classification: Likely benign. Last evaluated: 2019-11-18. Review status: criteria provided, single submitter. Criteria: Athena Diagnostics Criteria. Collection method: clinical testing. Allele origin: unknown.

Clinical Genomics, Uppaluri K&H Personalized Medicine Clinic
Classification: Benign for Maturity-onset diabetes of the young. Review status: criteria provided, single submitter. Criteria: K & H Uppaluri Personalized Medicine Clinic Variant Classification & Assertion Criteria_Updated V.1. Collection method: research. Allele origin: unknown. Inheritance: Autosomal dominant inheritance.
Comment: Potent mutations in HNF4A are associated with poor insulin secretion in response to hyperglycemia. Associated with MODY1. Patients initially respond well to sulfonylureas but eventually become insulin dependent. However, more evidence is required to ascertain the role of this particular variant rs370329321 in MODY, yet.

Literature cited by the submitters: DOI 10.1159/000334532 (cited by Clinical Genomics, Uppaluri K&H Personalized Medicine Clinic); PubMed 18268044 (cited by Clinical Genomics, Uppaluri K&H Personalized Medicine Clinic); PubMed 17563455 (cited by Clinical Genomics, Uppaluri K&H Personalized Medicine Clinic); PubMed 32583173 (cited by Clinical Genomics, Uppaluri K&H Personalized Medicine Clinic); PubMed 35052457 (cited by Clinical Genomics, Uppaluri K&H Personalized Medicine Clinic); PubMed 35118593 (cited by Clinical Genomics, Uppaluri K&H Personalized Medicine Clinic).